The following is an entry in ClinVar:

ClinVar aggregate classification (germline): Conflicting classifications of pathogenicity. Review status: criteria provided, conflicting classifications (1 of 4 stars). 9 submissions from 9 submitters: Uncertain significance (6); Likely benign (3). Last evaluated 2026-09-21.

Conditions:
CACNA1A-related disorder. Also called: CACNA1A-related condition.
Episodic ataxia type 2 (EA2). Also called: ACETAZOLAMIDE-RESPONSIVE HEREDITARY PAROXYSMAL CEREBELLAR ATAXIA; ATAXIA, EPISODIC, WITH NYSTAGMUS; ATAXIA, FAMILIAL PAROXYSMAL; CEREBELLAR ATAXIA, PAROXYSMAL, ACETAZOLAMIDE-RESPONSIVE; CEREBELLOPATHY, HEREDITARY PAROXYSMAL; EPISODIC ATAXIA, NYSTAGMUS-ASSOCIATED. Identifiers: Orphanet 97, MedGen C1720416, MONDO:0007163, OMIM 108500.
Developmental and epileptic encephalopathy, 42 (DEE42A). Also called: Epileptic encephalopathy, early infantile, 42; DEVELOPMENTAL AND EPILEPTIC ENCEPHALOPATHY 42A; EPILEPTIC ENCEPHALOPATHY, EARLY INFANTILE, 42A. Identifiers: MedGen C4310716, MONDO:0014917, OMIM 617106.
Inborn genetic diseases. Identifiers: MedGen C0950123, MeSH D030342.

Submissions (9):

GeneDx
Classification: Uncertain significance. Last evaluated: 2026-09-21. Review status: criteria provided, single submitter. Criteria: GeneDx Variant Classification Process June 2021. Collection method: clinical testing. Allele origin: germline.
Comment: Reported in a patient with Parkinson's disease with dementia (PMID: 35855480); In-frame deletion of 1 amino acid in a non-repeat region; In silico analysis supports a deleterious effect on protein structure/function; This variant is associated with the following publications: (PMID: 35855480)

PreventionGenetics, part of Exact Sciences
Classification: Likely benign for CACNA1A-related condition. Last evaluated: 2026-01-15. Review status: criteria provided, single submitter. Criteria: ACMG Guidelines, 2015. Collection method: clinical testing. Allele origin: germline.
Comment: This variant is classified as likely benign based on ACMG/AMP sequence variant interpretation guidelines (Richards et al. 2015 PMID: 25741868, with internal and published modifications).

CeGaT Center for Human Genetics Tuebingen
Classification: Likely benign. Last evaluated: 2025-09-01. Review status: criteria provided, single submitter. Criteria: CeGaT Center For Human Genetics Tuebingen Variant Classification Criteria Version 2. Collection method: clinical testing. Allele origin: germline. Affected: yes. Observed: 1 variant allele.
Comment: CACNA1A: BS1

Labcorp Genetics (formerly Invitae), Labcorp
Classification: Uncertain significance for Developmental and epileptic encephalopathy, 42; Episodic ataxia type 2. Last evaluated: 2025-07-14. Review status: criteria provided, single submitter. Criteria: Invitae Variant Classification Sherloc (09022015). Collection method: clinical testing. Allele origin: germline.
Comment: This variant, c.3618_3620del, results in the deletion of 1 amino acid(s) of the CACNA1A protein (p.Glu1207del), but otherwise preserves the integrity of the reading frame. This variant is present in population databases (rs750826355, gnomAD 0.02%). This variant has not been reported in the literature in individuals affected with CACNA1A-related conditions. ClinVar contains an entry for this variant (Variation ID: 195574). Experimental studies and prediction algorithms are not available or were not evaluated, and the functional significance of this variant is currently unknown. In summary, the available evidence is currently insufficient to determine the role of this variant in disease. Therefore, it has been classified as a Variant of Uncertain Significance.

Women's Health and Genetics/Laboratory Corporation of America, LabCorp
Classification: Uncertain significance. Last evaluated: 2024-11-20. Review status: criteria provided, single submitter. Criteria: LabCorp Variant Classification Summary - May 2015. Collection method: clinical testing. Allele origin: germline.
Comment: Variant summary: CACNA1A c.3618_3620delGGA (p.Glu1207del) results in an in-frame deletion that is predicted to remove one amino acids from the encoded protein. The variant allele was found at a frequency of 4.5e-05 in 246848 control chromosomes. This frequency is not significantly higher than estimated for a pathogenic variant in CACNA1A causing Epileptic Encephalopathy, Early Infantile, 42, allowing no conclusion about variant significance. To our knowledge, no occurrence of c.3618_3620delGGA in individuals affected with Epileptic Encephalopathy, Early Infantile, 42 and no experimental evidence demonstrating its impact on protein function have been reported. ClinVar contains an entry for this variant (Variation ID: 195574). Based on the evidence outlined above, the variant was classified as uncertain significance.

Ambry Genetics
Classification: Likely benign for Inborn genetic diseases. Last evaluated: 2023-07-24. Review status: criteria provided, single submitter. Criteria: Ambry Variant Classification Scheme 2023. Collection method: clinical testing. Allele origin: germline.

Institute of Human Genetics, University of Leipzig Medical Center
Classification: Uncertain significance for Developmental and epileptic encephalopathy, 42. Last evaluated: 2019-01-01. Review status: criteria provided, single submitter. Criteria: ACMG Guidelines, 2015. Collection method: clinical testing. Allele origin: unknown. Affected: yes.

Athena Diagnostics
Classification: Uncertain significance. Last evaluated: 2018-02-27. Review status: criteria provided, single submitter. Criteria: Athena Diagnostics Criteria. Collection method: clinical testing. Allele origin: germline.

Eurofins Ntd Llc (ga)
Classification: Uncertain significance. Last evaluated: 2015-04-24. Review status: criteria provided, single submitter. Criteria: EGL Classification Definitions 2015. Collection method: clinical testing. Allele origin: germline. Observed: 3 variant alleles, 3 heterozygotes.

NM_001127222.2(CACNA1A):c.3606GGA[3] (p.Glu1206del)

Gene: CACNA1A (calcium voltage-gated channel subunit alpha1 A; minus strand). Cytogenetic location: 19p13.13.
Variant type: Microsatellite.
Coding change: c.3606GGA[3] on transcript NM_001127222.2 (MANE Select); three copies in a row of the 3-base unit GGA starting at c.3606; the reference has four copies in a row; one copy, 3 bases deleted.
Protein change: p.Glu1206del; deletes glutamic acid 1206.
Molecular consequence: inframe deletion.
Genome position (GRCh38, 1-based): chr19:13,285,143-13,285,145, TCC deleted on the plus strand (GGA on the coding strand, the reverse complement: CACNA1A is on the minus strand); deleting any 3 consecutive bases within chr19:13,285,143-13,285,155 gives the same sequence; the position shown is the placement nearest the transcript's 3' end. VCF-style (leftmost placement, unchanged base first): chr19-13285142-TTCC-T. GRCh37 (hg19) VCF-style: chr19-13395956-TTCC-T.
Other names: c.3618_3620delGGA (NM_001127221.1, NM_001127221.2); c.3618GGA[3], p.Glu1210del (NM_000068.4, NM_023035.3); c.3609GGA[3], p.Glu1207del (NM_001127221.2, NM_001174080.2); c.3615_3617delGGA (NM_001127222.1); short protein forms E1207del, E1210del, E1206del.
Identifiers: ClinVar variation 195574 (VCV000195574.30), dbSNP rs750826355, ClinGen allele CA242051.